The following is an entry in ClinVar:

ClinVar aggregate classification (germline): Uncertain significance (1 of 4 stars; one submission).

Conditions:
Neuronal ceroid lipofuscinosis. Also called: Neuronal Ceroid Lipofuscinoses. Identifiers: Orphanet 216, Orphanet 79263, MedGen C0027877, MONDO:0016295. Disease mechanism: loss of function.

Allele frequency attached by ClinVar (database versions not stated): gnomAD exomes below 0.00001.
gnomAD v4.1: 2 of 1,611,118 alleles (0.00012%); highest among the groups gnomAD compares: Admixed American, 0.0034%; no homozygotes.

Submission:

Labcorp Genetics (formerly Invitae), Labcorp
Classification: Uncertain significance for Neuronal ceroid lipofuscinosis. Last evaluated: 2022-03-22. Review status: criteria provided, single submitter. Criteria: Invitae Variant Classification Sherloc (09022015). Collection method: clinical testing. Allele origin: germline.
Comment: In summary, the available evidence is currently insufficient to determine the role of this variant in disease. Therefore, it has been classified as a Variant of Uncertain Significance. Algorithms developed to predict the effect of missense changes on protein structure and function are either unavailable or do not agree on the potential impact of this missense change (SIFT: "Tolerated"; PolyPhen-2: "Possibly Damaging"; Align-GVGD: "Class C0"). This variant has not been reported in the literature in individuals affected with CLN3-related conditions. This variant is not present in population databases (gnomAD no frequency). This sequence change replaces serine, which is neutral and polar, with tyrosine, which is neutral and polar, at codon 233 of the CLN3 protein (p.Ser233Tyr).

NM_001042432.2(CLN3):c.698C>A (p.Ser233Tyr)

Gene: CLN3 (CLN3 lysosomal/endosomal transmembrane protein, battenin; minus strand). Cytogenetic location: 16p12.1.
Variant type: single nucleotide variant.
Coding change: c.698C>A on transcript NM_001042432.2 (MANE Select); coding-DNA position 698, C replaced by A.
Protein change: p.Ser233Tyr; replaces serine 233 with tyrosine.
Molecular consequence: missense variant.
Genome position (GRCh38, 1-based): chr16:28,484,098, G>T on the plus strand (C>A on the coding strand, the complement: CLN3 is on the minus strand). VCF-style: chr16-28484098-G-T. GRCh37 (hg19) VCF-style: chr16-28495419-G-T.
Other names: c.698C>A, p.Ser233Tyr (NM_000086.2); c.626C>A, p.Ser209Tyr (NM_001286104.2); c.398C>A, p.Ser133Tyr (NM_001286105.2); c.464C>A, p.Ser155Tyr (NM_001286109.2); c.536C>A, p.Ser179Tyr (NM_001286110.2); short protein forms S209Y, S155Y, S179Y, S233Y, S133Y.
Identifiers: ClinVar variation 1403741 (VCV001403741.9), dbSNP rs2046161412, ClinGen allele CA395344923.